The following is an entry in ClinVar:

NM_017433.5(MYO3A):c.1207A>G (p.Ser403Gly)

Gene: MYO3A (myosin IIIA; plus strand). Cytogenetic location: 10p12.1.
Variant type: single nucleotide variant.
Coding change: c.1207A>G on transcript NM_017433.5 (MANE Select); coding-DNA position 1207, A replaced by G.
Protein change: p.Ser403Gly; replaces serine 403 with glycine.
Molecular consequence: missense variant.
Genome position (GRCh38, 1-based): chr10:26,070,147, A>G. VCF-style: chr10-26070147-A-G. GRCh37 (hg19) VCF-style: chr10-26359076-A-G.
Other names: short protein forms S403G.
Identifiers: ClinVar variation 228974 (VCV000228974.39), dbSNP rs375646552, ClinGen allele CA5444593.
Genomic context (GRCh38, chr10:26,070,147, plus strand): 5'-AAATGTATTCTTTTTAACCTTTAGCATTCCAAACTATATATTGGATCAAAGAGAACTGCC[A>G]GTCCTCCTCACATTTTTGCAATGGCTGACTTAGGATATCAATCTATGATAACATATAATT-3'
Protein context (NP_059129.3, residues 393-413): KLYIGSKRTA[Ser403Gly]PPHIFAMADL

ClinVar aggregate classification (germline): Uncertain significance. Review status: criteria provided, multiple submitters, no conflicts (2 of 4 stars). 7 submissions from 7 submitters: Uncertain significance (7). Last evaluated 2026-09-11.

Conditions:
Inborn genetic diseases. Identifiers: MedGen C0950123, MeSH D030342.
Autosomal recessive nonsyndromic hearing loss 30. Identifiers: Orphanet 90636, MedGen C1846784, MONDO:0011774, OMIM 607101.

Allele frequency attached by ClinVar (database versions not stated): TOPMed 0.00008; gnomAD exomes 0.00011 and 0.00017; gnomAD 0.00013 and 0.00014; ESP Exome Variant Server 0.00015; ExAC 0.00022.
gnomAD v4.1: 176 of 1,612,162 alleles (0.011%); highest among the groups gnomAD compares: Non-Finnish European, 0.012%; no homozygotes.

Submissions (7):

GeneDx
Classification: Uncertain significance. Last evaluated: 2026-09-11. Review status: criteria provided, single submitter. Criteria: GeneDx Variant Classification Process June 2021. Collection method: clinical testing. Allele origin: germline.
Comment: In silico analysis suggests that this missense variant does not alter protein structure/function; Has not been previously published as pathogenic or benign to our knowledge

Ambry Genetics
Classification: Uncertain significance for Inborn genetic diseases. Last evaluated: 2025-08-19. Review status: criteria provided, single submitter. Criteria: Ambry Variant Classification Scheme 2023. Collection method: clinical testing. Allele origin: germline.

Labcorp Genetics (formerly Invitae), Labcorp
Classification: Uncertain significance. Last evaluated: 2025-06-02. Review status: criteria provided, single submitter. Criteria: Invitae Variant Classification Sherloc (09022015). Collection method: clinical testing. Allele origin: germline.
Comment: This sequence change replaces serine, which is neutral and polar, with glycine, which is neutral and non-polar, at codon 403 of the MYO3A protein (p.Ser403Gly). This variant is present in population databases (rs375646552, gnomAD 0.04%). This variant has not been reported in the literature in individuals affected with MYO3A-related conditions. ClinVar contains an entry for this variant (Variation ID: 228974). Invitae Evidence Modeling of protein sequence and biophysical properties (such as structural, functional, and spatial information, amino acid conservation, physicochemical variation, residue mobility, and thermodynamic stability) indicates that this missense variant is not expected to disrupt MYO3A protein function with a negative predictive value of 80%. In summary, the available evidence is currently insufficient to determine the role of this variant in disease. Therefore, it has been classified as a Variant of Uncertain Significance.

Blueprint Genetics
Classification: Uncertain significance. Last evaluated: 2024-10-28. Review status: criteria provided, single submitter. Criteria: ACMG Guidelines, 2015. Collection method: clinical testing. Allele origin: germline.

CeGaT Center for Human Genetics Tuebingen
Classification: Uncertain significance. Last evaluated: 2024-03-01. Review status: criteria provided, single submitter. Criteria: CeGaT Center For Human Genetics Tuebingen Variant Classification Criteria Version 2. Collection method: clinical testing. Allele origin: germline. Affected: yes. Observed: 1 variant allele.
Comment: MYO3A: PM2, BP4

Illumina Laboratory Services, Illumina
Classification: Uncertain significance for Autosomal recessive nonsyndromic hearing loss 30. Last evaluated: 2018-01-13. Review status: criteria provided, single submitter. Criteria: ICSL Variant Classification Criteria 13 December 2019. Collection method: clinical testing. Allele origin: germline.

Laboratory for Molecular Medicine, Mass General Brigham Personalized Medicine
Classification: Uncertain significance. Last evaluated: 2015-07-02. Review status: criteria provided, single submitter. Criteria: LMM Criteria. Collection method: clinical testing. Allele origin: germline. Observed: 1 variant allele.
Comment: Variant classified as Uncertain Significance - Favor Benign. The p.Ser403Gly var iant in MYO3A has not been previously reported in individuals with hearing loss, but has been identified in 24/66478 of European chromosomes by the Exome Aggreg ation Consortium (ExAC; dbSNP rs375646552). The serine (Ser) at position 403 is not conserved in mammals or evolutionarily dista nt species, raising the possibility that a change at this position may be tolera ted. Additional computational prediction tools do not provide strong support for or against an impact to the protein. In summary, while the clinical significanc e of the p.Ser403Gly variant is uncertain, these data suggest that it is more li kely to be benign.